The following is an entry in ClinVar:

NM_001378615.1(CC2D2A):c.4659G>C (p.Gln1553His)

Genes: CC2D2A (coiled-coil and C2 domain containing 2A; plus strand), FBXL5 (F-box and leucine rich repeat protein 5; minus strand). Cytogenetic location: 4p15.32.
Variant type: single nucleotide variant.
Coding change: c.4659G>C on transcript NM_001378615.1 (MANE Select); coding-DNA position 4659, G replaced by C.
Protein change: p.Gln1553His; replaces glutamine 1553 with histidine.
Molecular consequence: missense variant.
Genome position (GRCh38, 1-based): chr4:15,599,691, G>C. VCF-style: chr4-15599691-G-C. GRCh37 (hg19) VCF-style: chr4-15601314-G-C.
Other names: c.4659G>C, p.Gln1553His (NM_001080522.2); c.4512G>C, p.Gln1504His (NM_001378617.1); short protein forms Q1553H, Q1504H.
Identifiers: ClinVar variation 347905 (VCV000347905.15), dbSNP rs375083236, ClinGen allele CA2864433.

ClinVar aggregate classification (germline): Uncertain significance. Review status: criteria provided, multiple submitters, no conflicts (2 of 4 stars). 6 submissions from 5 submitters: Uncertain significance (6). Last evaluated 2024-09-19.

Conditions:
Meckel-Gruber syndrome. Also called: Dysencephalia splachnocystica; DYSENCEPHALIA SPLANCHNOCYSTICA; GRUBER SYNDROME. Identifiers: Orphanet 564, MedGen C0265215, MONDO:0018921.
Joubert syndrome. Also called: JOUBERT-BOLTSHAUSER SYNDROME; Familial aplasia of the vermis. Identifiers: Orphanet 475, MedGen C5979921, MONDO:0018772.
Inborn genetic diseases. Identifiers: MedGen C0950123, MeSH D030342.
Meckel syndrome, type 6. Identifiers: Orphanet 564, MedGen C2676790, MONDO:0012848, OMIM 612284.
Joubert syndrome 9 (JBTS9). Identifiers: Orphanet 2318, MedGen C2676788, MONDO:0012849, OMIM 612285.

Allele frequency attached by ClinVar (database versions not stated): gnomAD exomes 0.00002 and 0.00007; ExAC 0.00003; TOPMed 0.00004; ESP Exome Variant Server 0.00008; gnomAD 0.00010.
gnomAD v4.1: 106 of 1,609,554 alleles (0.0066%); highest among the groups gnomAD compares: Non-Finnish European, 0.0087%; no homozygotes.

Submissions (6):

Blueprint Genetics
Classification: Uncertain significance. Last evaluated: 2024-09-19. Review status: criteria provided, single submitter. Criteria: ACMG Guidelines, 2015. Collection method: clinical testing. Allele origin: germline.

Ambry Genetics
Classification: Uncertain significance for Inborn genetic diseases. Last evaluated: 2023-05-16. Review status: criteria provided, single submitter. Criteria: Ambry Variant Classification Scheme 2023. Collection method: clinical testing. Allele origin: germline.

Labcorp Genetics (formerly Invitae), Labcorp
Classification: Uncertain significance for Joubert syndrome; Meckel-Gruber syndrome. Last evaluated: 2021-12-29. Review status: criteria provided, single submitter. Criteria: Invitae Variant Classification Sherloc (09022015). Collection method: clinical testing. Allele origin: germline.
Comment: This sequence change replaces glutamine, which is neutral and polar, with histidine, which is basic and polar, at codon 1553 of the CC2D2A protein (p.Gln1553His). This variant is present in population databases (rs375083236, gnomAD 0.006%). This variant has not been reported in the literature in individuals affected with CC2D2A-related conditions. ClinVar contains an entry for this variant (Variation ID: 347905). Advanced modeling of protein sequence and biophysical properties (such as structural, functional, and spatial information, amino acid conservation, physicochemical variation, residue mobility, and thermodynamic stability) performed at Invitae indicates that this missense variant is expected to disrupt CC2D2A protein function. In summary, the available evidence is currently insufficient to determine the role of this variant in disease. Therefore, it has been classified as a Variant of Uncertain Significance.

Illumina Laboratory Services, Illumina
Classification: Uncertain significance for Joubert syndrome 9. Last evaluated: 2018-01-13. Review status: criteria provided, single submitter. Criteria: ICSL Variant Classification Criteria 13 December 2019. Collection method: clinical testing. Allele origin: germline.

Illumina Laboratory Services, Illumina
Classification: Uncertain significance for Meckel syndrome, type 6. Last evaluated: 2018-01-13. Review status: criteria provided, single submitter. Criteria: ICSL Variant Classification Criteria 13 December 2019. Collection method: clinical testing. Allele origin: germline.

Eurofins Ntd Llc (ga)
Classification: Uncertain significance. Last evaluated: 2017-05-22. Review status: criteria provided, single submitter. Criteria: EGL Classification Definitions 2015. Collection method: clinical testing. Allele origin: germline. Observed: 1 variant allele, 1 heterozygote.